The following is an entry in ClinVar:

NM_178140.4(PDZD2):c.948G>A (p.Thr316=)

Gene: PDZD2 (PDZ domain containing 2; plus strand). Cytogenetic location: 5p13.3.
Variant type: single nucleotide variant.
Coding change: c.948G>A on transcript NM_178140.4 (MANE Select); coding-DNA position 948, G replaced by A.
Protein change: p.Thr316=; no amino-acid change (threonine 316 retained).
Molecular consequence: synonymous variant.
Genome position (GRCh38, 1-based): chr5:31,983,626, G>A. VCF-style: chr5-31983626-G-A. GRCh37 (hg19) VCF-style: chr5-31983732-G-A.
Identifiers: ClinVar variation 3048696 (VCV003048696.2), dbSNP rs141201033, ClinGen allele CA3218694.

ClinVar aggregate classification (germline): Likely benign (0 of 4 stars; one submission).

Conditions:
PDZD2-related disorder. Also called: PDZD2-related condition.

Allele frequency attached by ClinVar (database versions not stated): ExAC 0.00008; gnomAD 0.00013; TOPMed 0.00015; ESP Exome Variant Server 0.00031.

Submission:

PreventionGenetics, part of Exact Sciences
Classification: Likely benign for PDZD2-related condition. Last evaluated: 2019-11-25. Review status: no assertion criteria provided. Collection method: clinical testing. Allele origin: germline.
Comment: This variant is classified as likely benign based on ACMG/AMP sequence variant interpretation guidelines (Richards et al. 2015 PMID: 25741868, with internal and published modifications).